The following is an entry in ClinVar:

ClinVar aggregate classification (germline): Benign. Review status: criteria provided, multiple submitters, no conflicts (2 of 4 stars). 3 submissions from 3 submitters: Benign (3). Last evaluated 2026-07-01.

Conditions:
Glycogen storage disease, type II (IOPD). Also called: CARDIOMEGALIA GLYCOGENICA DIFFUSA; GLYCOGENOSIS, GENERALIZED, CARDIAC FORM; GSD II; Glycogen storage disease type 2; Acid maltase deficiency disease; Aglucosidase alfa. Identifiers: Orphanet 365, MedGen C0017921, MONDO:0009290, OMIM 232300.

Allele frequency attached by ClinVar (database versions not stated): 1000 Genomes Project 0.10643; 1000 Genomes Project 30x 0.10712.
gnomAD v4.1: 52,398 of 1,592,170 alleles (3.3%); highest among the groups gnomAD compares: African/African-American, 15%; 2,562 homozygotes.

Submissions (3):

Genomenon, Inc
Classification: Benign for Glycogen storage disease, type II. Last evaluated: 2026-07-01. Review status: criteria provided, single submitter. Criteria: Genomenon Sequence Variant Interpretation Standards - Updated. Collection method: curation. Allele origin: germline. Affected: no.
Comment: GAA c.693-78C>T is an intronic variant located in intron 3. This variant is present at high allele frequency in population databases. We classify GAA c.693-78C>T as a benign variant.

GeneDx
Classification: Benign. Last evaluated: 2018-06-23. Review status: criteria provided, single submitter. Criteria: GeneDx Variant Classification Process June 2021. Collection method: clinical testing. Allele origin: germline. Affected: yes.

Breakthrough Genomics
Classification: Benign. Review status: criteria provided, single submitter. Criteria: ACMG Guidelines, 2015. Collection method: not provided. Allele origin: germline. Inheritance: Autosomal recessive inheritance. Affected: yes.

NM_000152.5(GAA):c.693-78C>T

Gene: GAA (alpha glucosidase; plus strand). Cytogenetic location: 17q25.3.
Variant type: single nucleotide variant.
Coding change: c.693-78C>T on transcript NM_000152.5 (MANE Select); 78 bases into the intron before coding-DNA position 693, C replaced by T.
Molecular consequence: intron variant.
Genome position (GRCh38, 1-based): chr17:80,107,479, C>T. VCF-style: chr17-80107479-C-T. GRCh37 (hg19) VCF-style: chr17-78081278-C-T.
Other names: c.693-78C>T (NM_001079803.3, NM_001079804.3).
Identifiers: ClinVar variation 1232597 (VCV001232597.5), dbSNP rs74003611, ClinGen allele CA294889472.
Genomic context (GRCh38, chr17:80,107,479, plus strand): 5'-CCAGGGTCAGTGTGCTGCAGGGCTGGCCAGGCCACTCCGCCCTCCCAGGGCACCAGGGCC[C>T]GGGGGTGCTCTCTGGGTGCTCTCAGGCTCGTGTGGCCCCTTGGGTGTGAGCAAGCCTGGC-3'